The following is an entry in ClinVar:

NM_001127644.2(GABRA1):c.495_503delinsCAGTGAGA (p.Glu165fs)

Gene: GABRA1 (gamma-aminobutyric acid type A receptor subunit alpha1; plus strand). Cytogenetic location: 5q34.
Variant type: Indel.
Coding change: c.495_503delinsCAGTGAGA on transcript NM_001127644.2 (MANE Select); coding-DNA positions 495 to 503, ATGTCCGAT replaced by CAGTGAGA.
Protein change: p.Glu165fs; shifts the reading frame from glutamic acid 165.
Molecular consequence: frameshift variant.
Genome position (GRCh38, 1-based): chr5:161,875,578-161,875,586, ATGTCCGAT replaced by CAGTGAGA. VCF-style: chr5-161875578-ATGTCCGAT-CAGTGAGA. GRCh37 (hg19) VCF-style: chr5-161302584-ATGTCCGAT-CAGTGAGA.
Other names: c.495_503delinsCAGTGAGA, p.Glu165fs (NM_000806.5, NM_001127643.2, NM_001127645.2 and 1 more transcripts); short protein forms E165fs.
Identifiers: ClinVar variation 2579313 (VCV002579313.1), dbSNP rs2532244467, ClinGen allele CA2580617992.

ClinVar aggregate classification (germline): Uncertain significance (1 of 4 stars; one submission).

Submission:

GeneDx
Classification: Uncertain significance. Last evaluated: 2023-09-07. Review status: criteria provided, single submitter. Criteria: GeneDx Variant Classification Process June 2021. Collection method: clinical testing. Allele origin: germline. Affected: yes.
Comment: Frameshift variant predicted to result in protein truncation or nonsense mediated decay in a gene for which loss-of-function is not a known mechanism of disease; Not observed in large population cohorts (gnomAD); Has not been previously published as pathogenic or benign to our knowledge